The following is an entry in ClinVar:

NM_001148.6(ANK2):c.5806C>A (p.Arg1936Ser)

Genes: ANK2 (ankyrin 2; plus strand), LOC126807136 (MED14-independent group 3 enhancer GRCh37_chr4:114274931-114276130; plus strand). Cytogenetic location: 4q26.
Variant type: single nucleotide variant.
Coding change: c.5806C>A on transcript NM_001148.6 (MANE Select); coding-DNA position 5806, C replaced by A.
Protein change: p.Arg1936Ser; replaces arginine 1936 with serine.
Molecular consequence: missense variant. On other transcripts: intron variant (68).
Genome position (GRCh38, 1-based): chr4:113,354,424, C>A. VCF-style: chr4-113354424-C-A. GRCh37 (hg19) VCF-style: chr4-114275580-C-A.
Other names: c.4438+4175C>A (NM_001354225.2); c.4423+4175C>A (NM_001354235.2, NM_001354246.2, NM_001354265.2); c.4324+4175C>A (NM_001354236.2); c.4462+4175C>A (NM_001354232.2); c.4327+4175C>A (NM_001354228.2, NM_001354258.2); c.4264+4175C>A (NM_001354245.2, NM_001354262.2, NM_001354275.2); c.4228+4175C>A (NM_001354268.2); c.4126+4175C>A (NM_001354273.2); and 35 more; short protein forms R1936S, R1858S, R1975S, R1983S, R736S.
Identifiers: ClinVar variation 191406 (VCV000191406.1), dbSNP rs201325557, ClinGen allele CA236549.

ClinVar aggregate classification (germline): Uncertain significance (1 of 4 stars; one submission).

Submission:

Biesecker Lab/Clinical Genomics Section, National Institutes of Health
Classification: Uncertain significance. Last evaluated: 2013-06-24. Review status: criteria provided, single submitter. Criteria: Ng et al. (Circ Cardiovasc Genet. 2013). Collection method: research. Allele origin: unknown. Observed: 1 variant allele. Study: ClinSeq.
Comment: The study set was not selected for affection status in relation to any cancer. Pathogenicity categories were based on literature curation. See Pubmed ID:23861362 for details.

Medical sequencing